The following is an entry in ClinVar:

ClinVar aggregate classification (germline): Uncertain significance (1 of 4 stars; one submission).

Conditions:
Long QT syndrome (LQTS). Identifiers: MedGen C0023976, MeSH D008133, MONDO:0002442. Disease mechanism: loss of function. Inheritance: Various modes of inheritance.

Submission:

All of Us Research Program, National Institutes of Health
Classification: Uncertain significance for Long QT syndrome. Last evaluated: 2023-09-17. Review status: criteria provided, single submitter. Criteria: ACMG Guidelines, 2015. Collection method: clinical testing. Allele origin: germline. Inheritance: Autosomal dominant inheritance. Observed: 1 variant allele, 1 heterozygote.
Comment: This missense variant replaces arginine with proline at codon 672 of the KCNH2 protein. Computational prediction suggests that this variant may have deleterious impact on protein structure and function (internally defined REVEL score threshold >= 0.7, PMID: 27666373). To our knowledge, functional studies have not been reported for this variant. This variant has not been reported in individuals affected with KCNH2-related disorders in the literature. This variant has not been identified in the general population by the Genome Aggregation Database (gnomAD). The available evidence is insufficient to determine the role of this variant in disease conclusively. Therefore, this variant is classified as a Variant of Uncertain Significance.

This study involves interpretation of variants in research participants for the purpose of population health screening. Participant phenotype was not available at the time of variant classification. Additional details can be found in publication PMID: 35346344, PMCID: PMC8962531

NM_000238.4(KCNH2):c.2015G>C (p.Arg672Pro)

Gene: KCNH2 (potassium voltage-gated channel subfamily H member 2; minus strand). Cytogenetic location: 7q36.1.
Variant type: single nucleotide variant.
Coding change: c.2015G>C on transcript NM_000238.4 (MANE Select); coding-DNA position 2015, G replaced by C.
Protein change: p.Arg672Pro; replaces arginine 672 with proline.
Molecular consequence: missense variant. On other transcripts: non-coding transcript variant (2).
Genome position (GRCh38, 1-based): chr7:150,951,051, C>G on the plus strand (G>C on the coding strand, the complement: KCNH2 is on the minus strand). VCF-style: chr7-150951051-C-G. GRCh37 (hg19) VCF-style: chr7-150648139-C-G.
Other names: c.995G>C, p.Arg332Pro (NM_001204798.2, NM_172057.3); c.1727G>C, p.Arg576Pro (NM_001406753.1, NM_001406756.1); c.1838G>C, p.Arg613Pro (NM_001406755.1); c.1715G>C, p.Arg572Pro (NM_001406757.1); c.2015G>C, p.Arg672Pro (NM_172056.3); short protein forms R332P, R572P, R576P, R613P, R672P.
Identifiers: ClinVar variation 3073436 (VCV003073436.1), dbSNP rs745370146, ClinGen allele CA369857651.
Genomic context (GRCh38, chr7:150,951,051, plus strand): 5'-GGATTGGGGATCTGGTGGAAGCGGATGAACTCCCGCACCCGCAGCATCTGTGTGTGGTAG[C>G]GGGCTGTGCCCGAGTACAGCCGCTGGATGATGGCCGACACGTTGCCGAAGATGCTAGCAT-3'
Protein context (NP_000229.1, residues 662-682): IIQRLYSGTA[Arg672Pro]YHTQMLRVRE